The following is an entry in ClinVar:

NM_033118.4(MYLK2):c.1060G>T (p.Glu354Ter)

Gene: MYLK2 (myosin light chain kinase 2; plus strand). Cytogenetic location: 20q11.21.
Variant type: single nucleotide variant.
Coding change: c.1060G>T on transcript NM_033118.4 (MANE Select); coding-DNA position 1060, G replaced by T.
Protein change: p.Glu354Ter; replaces glutamic acid 354 with a stop codon.
Molecular consequence: nonsense.
Genome position (GRCh38, 1-based): chr20:31,826,692, G>T. VCF-style: chr20-31826692-G-T. GRCh37 (hg19) VCF-style: chr20-30414495-G-T.
Other names: short protein forms E354*.
Identifiers: ClinVar variation 1677556 (VCV001677556.2), dbSNP rs2062281377, ClinGen allele CA408527004.

ClinVar aggregate classification (germline): Uncertain significance. Review status: criteria provided, multiple submitters, no conflicts (2 of 4 stars). 2 submissions from 2 submitters: Uncertain significance (2). Last evaluated 2025-12-17.

Conditions:
Hypertrophic cardiomyopathy 1 (CMH1). Also called: Familial hypertrophic cardiomyopathy 1; MYH7-Related Familial Hypertrophic Cardiomyopathy. Identifiers: MedGen C3495498, MONDO:0008647, OMIM 192600.

Allele frequency attached by ClinVar (database versions not stated): gnomAD exomes below 0.00001.

Submissions (2):

Labcorp Genetics (formerly Invitae), Labcorp
Classification: Uncertain significance for Hypertrophic cardiomyopathy 1. Last evaluated: 2025-12-17. Review status: criteria provided, single submitter. Criteria: Invitae Variant Classification Sherloc (09022015). Collection method: clinical testing. Allele origin: germline.
Comment: This sequence change creates a premature translational stop signal (p.Glu354*) in the MYLK2 gene. It is expected to result in an absent or disrupted protein product. However, the current clinical and genetic evidence is not sufficient to establish whether loss-of-function variants in MYLK2 cause disease. This variant is not present in population databases (gnomAD no frequency). This variant has not been reported in the literature in individuals affected with MYLK2-related conditions. ClinVar contains an entry for this variant (Variation ID: 1677556). In summary, the available evidence is currently insufficient to determine the role of this variant in disease. Therefore, it has been classified as a Variant of Uncertain Significance.

AiLife Diagnostics
Classification: Uncertain significance. Last evaluated: 2021-10-11. Review status: criteria provided, single submitter. Criteria: ACMG Guidelines, 2015. Collection method: clinical testing. Allele origin: germline. Affected: yes. Observed: 1 variant allele.